The following is an entry in ClinVar:

ClinVar aggregate classification (germline): Uncertain significance (1 of 4 stars; one submission).

Submission:

Labcorp Genetics (formerly Invitae), Labcorp
Classification: Uncertain significance. Last evaluated: 2025-12-24. Review status: criteria provided, single submitter. Criteria: Invitae Variant Classification Sherloc (09022015). Collection method: clinical testing. Allele origin: germline.
Comment: This sequence change falls in intron 24 of the TAF1 gene. It does not directly change the encoded amino acid sequence of the TAF1 protein. It affects a nucleotide within the consensus splice site. This variant is not present in population databases (gnomAD no frequency). This variant has not been reported in the literature in individuals affected with TAF1-related conditions. Variants that disrupt the consensus splice site are a relatively common cause of aberrant splicing (PMID: 17576681, 9536098). Algorithms developed to predict the effect of sequence changes on RNA splicing suggest that this variant is not likely to affect RNA splicing. In summary, the available evidence is currently insufficient to determine the role of this variant in disease. Therefore, it has been classified as a Variant of Uncertain Significance.

Literature cited by the submitters: PubMed 17576681; PubMed 9536098.

NM_004606.5(TAF1):c.3786+5G>A

Gene: TAF1 (TATA-box binding protein associated factor 1; plus strand). Cytogenetic location: Xq13.1.
Variant type: single nucleotide variant.
Coding change: c.3786+5G>A on transcript NM_004606.5 (MANE Select); 5 bases into the intron after coding-DNA position 3786, G replaced by A.
Molecular consequence: intron variant.
Genome position (GRCh38, 1-based): chrX:71,398,742, G>A. VCF-style: chrX-71398742-G-A. GRCh37 (hg19) VCF-style: chrX-70618592-G-A.
Other names: c.3786+5G>A (NM_001440852.1, NM_001440853.1, NM_001286074.2); c.3723+5G>A (NM_001440854.1, NM_138923.4).
Identifiers: ClinVar variation 4752629 (VCV004752629.1).